The following is an entry in ClinVar:

ClinVar aggregate classification (germline): Pathogenic/Likely pathogenic. Review status: criteria provided, multiple submitters, no conflicts (2 of 4 stars). 7 submissions from 7 submitters: Pathogenic (3); Likely pathogenic (1). 3 of the submissions do not count toward it. Last evaluated 2024-06-13.

Conditions:
Autosomal recessive nonsyndromic hearing loss 9. Also called: Deafness, autosomal recessive 9; NEUROSENSORY NONSYNDROMIC RECESSIVE DEAFNESS 9; AUDITORY NEUROPATHY, AUTOSOMAL RECESSIVE, 1, TEMPERATURE-SENSITIVE; OTOF-Related Hearing Loss. Identifiers: Orphanet 90636, MedGen C1832828, MONDO:0010986, OMIM 601071.
Auditory neuropathy, autosomal recessive, 1 (AUNB1). Identifiers: MedGen CN315828.

Allele frequency attached by ClinVar (database versions not stated): gnomAD 0.00004 and 0.00005; 1000 Genomes Project 30x 0.00031; 1000 Genomes Project 0.00020; TOPMed 0.00004.
gnomAD v4.1: 35 of 1,600,492 alleles (0.0022%); highest among the groups gnomAD compares: East Asian, 0.027%; no homozygotes.

Submissions (7):

Labcorp Genetics (formerly Invitae), Labcorp
Classification: Pathogenic. Last evaluated: 2024-06-13. Review status: criteria provided, single submitter. Criteria: Invitae Variant Classification Sherloc (09022015). Collection method: clinical testing. Allele origin: germline.
Comment: This sequence change replaces arginine, which is basic and polar, with glutamine, which is neutral and polar, at codon 1939 of the OTOF protein (p.Arg1939Gln). This variant is present in population databases (rs80356605, gnomAD 0.07%). This missense change has been observed in individual(s) with auditory neuropathy spectrum disorder and/or deafness (PMID: 23562982, 34536124). In at least one individual the data is consistent with being in trans (on the opposite chromosome) from a pathogenic variant. It is commonly reported in individuals of Japanese ancestry (PMID: 22575033, 34424407, 34536124). This variant is also known as c.3515G>A (p.Arg1172Gln). ClinVar contains an entry for this variant (Variation ID: 6136). Algorithms developed to predict the effect of missense changes on protein structure and function output the following: SIFT: "Not Available"; PolyPhen-2: "Probably Damaging"; Align-GVGD: "Not Available". The glutamine amino acid residue is found in multiple mammalian species, which suggests that this missense change does not adversely affect protein function. This variant disrupts the p.Arg1939 amino acid residue in OTOF. Other variant(s) that disrupt this residue have been observed in individuals with OTOF-related conditions (PMID: 34536124), which suggests that this may be a clinically significant amino acid residue. For these reasons, this variant has been classified as Pathogenic.

Mayo Clinic Laboratories, Mayo Clinic
Classification: Pathogenic. Last evaluated: 2022-08-14. Review status: criteria provided, single submitter. Criteria: ACMG Guidelines, 2015. Collection method: clinical testing. Allele origin: germline. Observed: 1 variant allele.
Comment: PP3, PM2_supporting

Revvity Omics, Revvity
Classification: Pathogenic for Autosomal recessive nonsyndromic hearing loss 9. Last evaluated: 2019-12-23. Review status: criteria provided, single submitter. Criteria: ACMG Guidelines, 2015. Collection method: clinical testing. Allele origin: germline.

Juno Genomics, Hangzhou Juno Genomics, Inc
Classification: Likely pathogenic for Autosomal recessive nonsyndromic hearing loss 9. Review status: criteria provided, single submitter. Criteria: ACMG Guidelines, 2015. Collection method: clinical testing. Allele origin: germline.
Comment: Allele frequency is greater than expected for disorder.;Multiple lines of computational evidence support a deleterious effect on the gene or gene product.;For recessive disorders, detected in trans with a pathogenic variant.

OMIM
Classification: Pathogenic for AUDITORY NEUROPATHY, AUTOSOMAL RECESSIVE, 1. Last evaluated: 2003-01-01. Review status: no assertion criteria provided. Collection method: literature only. Allele origin: germline. Not counted in ClinVar's aggregate classification.

GeneReviews
No classification provided. Condition: Autosomal recessive nonsyndromic hearing loss 9. Review status: no classification provided. Collection method: literature only. Allele origin: unknown. Not counted in ClinVar's aggregate classification.

Baylor Genetics
Classification: Uncertain significance for Autosomal recessive nonsyndromic hearing loss 9. Last evaluated: 2014-10-21. Review status: flagged submission. Collection method: clinical testing. Allele origin: germline. Inheritance: Autosomal recessive inheritance. Affected: yes. Observed: 2 variant alleles, 1 heterozygote, 1 homozygote. Not counted in ClinVar's aggregate classification.
Comment: Heterozygotes for this variant would be expected to be asymptomatic carriers.
ClinVar note: Reason: Older and outlier claim with insufficient supporting evidence

Literature cited by the submitters: PubMed 23562982 (cited by Labcorp Genetics (formerly Invitae), Labcorp); PubMed 34536124 (cited by Labcorp Genetics (formerly Invitae), Labcorp and Mayo Clinic Laboratories, Mayo Clinic); PubMed 22575033 (cited by Labcorp Genetics (formerly Invitae), Labcorp and Mayo Clinic Laboratories, Mayo Clinic); PubMed 34424407 (cited by Labcorp Genetics (formerly Invitae), Labcorp); PubMed 26632695 (cited by Mayo Clinic Laboratories, Mayo Clinic); PubMed 30482216 (cited by Mayo Clinic Laboratories, Mayo Clinic); PubMed 32899707 (cited by Mayo Clinic Laboratories, Mayo Clinic); PubMed 12525542 (cited by OMIM and GeneReviews); PubMed 20301429 (cited by GeneReviews); NCBI Bookshelf NBK1251 (cited by GeneReviews).

NM_194248.3(OTOF):c.5816G>A (p.Arg1939Gln)

Gene: OTOF (otoferlin; minus strand). Cytogenetic location: 2p23.3.
Variant type: single nucleotide variant.
Coding change: c.5816G>A on transcript NM_194248.3 (MANE Select); coding-DNA position 5816, G replaced by A.
Protein change: p.Arg1939Gln; replaces arginine 1939 with glutamine.
Molecular consequence: missense variant. On other transcripts: intron variant (2).
Genome position (GRCh38, 1-based): chr2:26,460,203, C>T on the plus strand (G>A on the coding strand, the complement: OTOF is on the minus strand). VCF-style: chr2-26460203-C-T. GRCh37 (hg19) VCF-style: chr2-26683071-C-T.
Other names: 6141G-A; c.3515G>A, p.Arg1172Gln (NM_004802.4); c.3746G>A, p.Arg1249Gln (NM_194322.3); c.5813+444G>A (NM_001287489.2); c.3512+444G>A (NM_194323.3); short protein forms R1939Q, R1172Q, R1249Q.
Identifiers: ClinVar variation 6136 (VCV000006136.18), dbSNP rs80356605, ClinGen allele CA212844.